The following is an entry in ClinVar:

ClinVar aggregate classification (germline): Uncertain significance (1 of 4 stars; one submission).

Allele frequency attached by ClinVar (database versions not stated): gnomAD 0.00001; gnomAD exomes 0.00001; TOPMed 0.00001; ExAC 0.00002.
gnomAD v4.1: 9 of 1,613,424 alleles (0.00056%); highest among the groups gnomAD compares: East Asian, 0.018%; no homozygotes.

Submission:

Labcorp Genetics (formerly Invitae), Labcorp
Classification: Uncertain significance. Last evaluated: 2022-03-13. Review status: criteria provided, single submitter. Criteria: Invitae Variant Classification Sherloc (09022015). Collection method: clinical testing. Allele origin: germline.
Comment: In summary, the available evidence is currently insufficient to determine the role of this variant in disease. Therefore, it has been classified as a Variant of Uncertain Significance. Algorithms developed to predict the effect of missense changes on protein structure and function are either unavailable or do not agree on the potential impact of this missense change (SIFT: "Not Available"; PolyPhen-2: "Probably Damaging"; Align-GVGD: "Not Available"). This variant has not been reported in the literature in individuals affected with ADSSL1-related conditions. This variant is present in population databases (rs764178731, gnomAD 0.02%). This sequence change replaces leucine, which is neutral and non-polar, with proline, which is neutral and non-polar, at codon 127 of the ADSSL1 protein (p.Leu127Pro).

NM_152328.5(ADSS1):c.251T>C (p.Leu84Pro)

Gene: ADSS1 (adenylosuccinate synthase 1; plus strand). Cytogenetic location: 14q32.33.
Variant type: single nucleotide variant.
Coding change: c.251T>C on transcript NM_152328.5 (MANE Select); coding-DNA position 251, T replaced by C.
Protein change: p.Leu84Pro; replaces leucine 84 with proline.
Molecular consequence: missense variant. On other transcripts: 5 prime UTR variant (1).
Genome position (GRCh38, 1-based): chr14:104,735,078, T>C. VCF-style: chr14-104735078-T-C. GRCh37 (hg19) VCF-style: chr14-105201415-T-C.
Other names: c.-348T>C (NM_001320424.1); c.380T>C, p.Leu127Pro (NM_199165.2); short protein forms L84P, L127P.
Identifiers: ClinVar variation 1923756 (VCV001923756.3), dbSNP rs764178731, ClinGen allele CA7373563.
Genomic context (GRCh38, chr14:104,735,078, plus strand): 5'-AGGGGGGCAACAACGCCGGCCACACGGTGGTGGTGGATGGGAAAGAGTACGACTTCCACC[T>C]GCTGCCCAGCGGCATCATCAACACCAAGGCCGTGTCCTTCATTGGTGAGTGCCCTGCCCC-3'
Protein context (NP_689541.1, residues 74-94): VVDGKEYDFH[Leu84Pro]LPSGIINTKA